The following is an entry in ClinVar:

NM_182641.4(BPTF):c.3547A>T (p.Asn1183Tyr)

Gene: BPTF (bromodomain PHD finger transcription factor; plus strand). Cytogenetic location: 17q24.2.
Variant type: single nucleotide variant.
Coding change: c.3547A>T on transcript NM_182641.4 (MANE Select); coding-DNA position 3547, A replaced by T.
Protein change: p.Asn1183Tyr; replaces asparagine 1183 with tyrosine.
Molecular consequence: missense variant.
Genome position (GRCh38, 1-based): chr17:67,911,431, A>T. VCF-style: chr17-67911431-A-T. GRCh37 (hg19) VCF-style: chr17-65907547-A-T.
Other names: c.3925A>T, p.Asn1309Tyr (NM_004459.7); short protein forms N1183Y, N1309Y.
Identifiers: ClinVar variation 3767536 (VCV003767536.2).

ClinVar aggregate classification (germline): Uncertain significance (1 of 4 stars; one submission).

Submission:

GeneDx
Classification: Uncertain significance. Last evaluated: 2026-03-19. Review status: criteria provided, single submitter. Criteria: GeneDx Variant Classification Process June 2021. Collection method: clinical testing. Allele origin: germline.
Comment: Not observed at significant frequency in large population cohorts (gnomAD); In silico analysis supports that this missense variant has a deleterious effect on protein structure/function; Has not been previously published as pathogenic or benign to our knowledge